The following is an entry in ClinVar:

ClinVar aggregate classification (germline): Conflicting classifications of pathogenicity. Review status: criteria provided, conflicting classifications (1 of 4 stars). 3 submissions from 3 submitters: Uncertain significance (1); Likely benign (2). Last evaluated 2025-12-23.

Conditions:
Usher syndrome type 2C. Also called: USHER SYNDROME, TYPE IIC; Usher syndrome, type 2B. Identifiers: Orphanet 231178, Orphanet 886, MedGen C2931213, MONDO:0011558, OMIM 605472.
ADGRV1-related disorder. Also called: ADGRV1-related disorders; ADGRV1-related condition.

Allele frequency attached by ClinVar (database versions not stated): ExAC below 0.00001; TOPMed below 0.00001; gnomAD exomes 0.00004.
gnomAD v4.1: 55 of 1,566,328 alleles (0.0035%); highest among the groups gnomAD compares: Non-Finnish European, 0.0047%; no homozygotes.

Submissions (3):

PreventionGenetics, part of Exact Sciences
Classification: Likely benign for ADGRV1-related condition. Last evaluated: 2025-12-23. Review status: criteria provided, single submitter. Criteria: ACMG Guidelines, 2015. Collection method: clinical testing. Allele origin: germline.
Comment: This variant is classified as likely benign based on ACMG/AMP sequence variant interpretation guidelines (Richards et al. 2015 PMID: 25741868, with internal and published modifications).

Labcorp Genetics (formerly Invitae), Labcorp
Classification: Likely benign. Last evaluated: 2023-10-09. Review status: criteria provided, single submitter. Criteria: Invitae Variant Classification Sherloc (09022015). Collection method: clinical testing. Allele origin: germline.

Illumina Laboratory Services, Illumina
Classification: Uncertain significance for Usher syndrome type 2C. Last evaluated: 2018-01-15. Review status: criteria provided, single submitter. Criteria: ICSL Variant Classification Criteria 13 December 2019. Collection method: clinical testing. Allele origin: germline.

NM_032119.4(ADGRV1):c.17455-6T>C

Gene: ADGRV1 (adhesion G protein-coupled receptor V1; plus strand). Cytogenetic location: 5q14.3.
Variant type: single nucleotide variant.
Coding change: c.17455-6T>C on transcript NM_032119.4 (MANE Select); 6 bases into the intron before coding-DNA position 17455, T replaced by C.
Molecular consequence: intron variant.
Genome position (GRCh38, 1-based): chr5:90,854,056, T>C. VCF-style: chr5-90854056-T-C. GRCh37 (hg19) VCF-style: chr5-90149873-T-C.
Identifiers: ClinVar variation 905117 (VCV000905117.12), dbSNP rs773817946, ClinGen allele CA3342378.
Genomic context (GRCh38, chr5:90,854,056, plus strand): 5'-GGTAAGAGACTCAGTCATTACACCAATTGTAAAACATCATTATATGTTCTGTTTTTAACA[T>C]TCTAGGTATTATCTTTGAGTGTGAAAGGTCAGAGTTCACAACTCCTGACTAATGACAATG-3'